The following is an entry in ClinVar:

NC_000023.11:g.103577174dup

Gene: TCEAL4 (transcription elongation factor A like 4; plus strand). Cytogenetic location: Xq22.2.
Variant type: Duplication.
Molecular consequence: frameshift variant (on NM_001300901.2).
Genome position: GRCh38 VCF-style: chrX-103577173-A-AG. GRCh37 (hg19) VCF-style: chrX-102832101-A-AG.
Other names: c.144dup, p.Arg49fs (NM_001300901.2); short protein forms R49fs.
Identifiers: ClinVar variation 3764751 (VCV003764751.2).
Genomic context (GRCh38, chrX:103,577,173, plus strand): 5'-GAAGAGACAAAGTCCACATCTGTCAATGCGAAGAATGGAAAGGTCACATATCATATGTGG[A>AG]GCGGGACATAACAACTTCGGAAATTAAATCTCTTCCCCAGGTAAATAAATGGATGCAATA-3'

ClinVar aggregate classification (germline): Uncertain significance (0 of 4 stars; one submission).

Conditions:
Spinocerebellar ataxia 7 (SCA7). Also called: Autosomal dominant cerebellar ataxia type 2; Autosomal dominant cerebellar ataxia type II; ADCA, TYPE II; OPCA III; OPCA WITH MACULAR DEGENERATION AND EXTERNAL OPHTHALMOPLEGIA; OPCA WITH RETINAL DEGENERATION. Identifiers: Orphanet 208508, Orphanet 94147, MedGen C0752125, MONDO:0016163, OMIM 164500.

Submission:

Department of Biotechnology and Genetic Engineering, Kohat University of Science and Technology
Classification: Uncertain significance for Spinocerebellar ataxia 7. Last evaluated: 2024-02-02. Review status: no assertion criteria provided. Collection method: research. Allele origin: de novo. Inheritance: X-linked dominant inheritance. Affected: yes.
Comment: The NM_001300901.2: c.144dup (p.Arg49AlafsX9) is a novel de novo frameshift variant in TCEAL4, predicted to result in a truncated or absent protein product. Sanger sequencing validated the de novo status of the variant within the affected family. The variant was classified as likely pathogenic by multiple in silico prediction tools, including Varsome, Franklin, and ClinVar, in accordance with ACMG criteria (PMID:25741868). Additionally, the variant has been previously reported in the literature as a causative variant for epilepsy-associated NDDs. In summary, this variant meets the criteria to be classified as likely pathogenic for epilepsy-associated NDDs, based on the ACMG/AMP criteria applied: PM2, PP1.